The following is an entry in ClinVar:

ClinVar aggregate classification (germline): Pathogenic/Likely pathogenic. Review status: criteria provided, multiple submitters, no conflicts (2 of 4 stars). 2 submissions from 2 submitters: Pathogenic (1); Likely pathogenic (1). Last evaluated 2023-10-27.

Conditions:
Propionic acidemia (PROP). Also called: GLYCINEMIA, KETOTIC; HYPERGLYCINEMIA WITH KETOACIDOSIS AND LEUKOPENIA; KETOTIC HYPERGLYCINEMIA. Identifiers: Orphanet 35, MedGen C0268579, MONDO:0011628, OMIM 606054, HP:0003571.

Allele frequency attached by ClinVar (database versions not stated): TOPMed 0.00001; gnomAD 0.00002; gnomAD exomes 0.00002.
gnomAD v4.1: 7 of 1,601,800 alleles (0.00044%); highest among the groups gnomAD compares: Admixed American, 0.012%; no homozygotes.

Submissions (2):

Labcorp Genetics (formerly Invitae), Labcorp
Classification: Likely pathogenic for Propionic acidemia. Last evaluated: 2023-10-27. Review status: criteria provided, single submitter. Criteria: Invitae Variant Classification Sherloc (09022015). Collection method: clinical testing. Allele origin: germline.
Comment: This sequence change affects an acceptor splice site in intron 3 of the PCCA gene. It is expected to disrupt RNA splicing. Variants that disrupt the donor or acceptor splice site typically lead to a loss of protein function (PMID: 16199547), and loss-of-function variants in PCCA are known to be pathogenic (PMID: 15464417). This variant is present in population databases (rs794727620, gnomAD 0.01%). This variant has not been reported in the literature in individuals affected with PCCA-related conditions. ClinVar contains an entry for this variant (Variation ID: 197126). Algorithms developed to predict the effect of sequence changes on RNA splicing suggest that this variant may disrupt the consensus splice site. In summary, the currently available evidence indicates that the variant is pathogenic, but additional data are needed to prove that conclusively. Therefore, this variant has been classified as Likely Pathogenic.

Eurofins Ntd Llc (ga)
Classification: Pathogenic. Last evaluated: 2014-12-02. Review status: criteria provided, single submitter. Criteria: EGL Classification Definitions 2015. Collection method: clinical testing. Allele origin: germline. Observed: 1 variant allele, 1 heterozygote.

Literature cited by the submitters: PubMed 16199547 (cited by Labcorp Genetics (formerly Invitae), Labcorp); PubMed 15464417 (cited by Labcorp Genetics (formerly Invitae), Labcorp).

NM_000282.4(PCCA):c.232-1G>A

Gene: PCCA (propionyl-CoA carboxylase subunit alpha; plus strand). Cytogenetic location: 13q32.3.
Variant type: single nucleotide variant.
Coding change: c.232-1G>A on transcript NM_000282.4 (MANE Select); the canonical splice acceptor site of the intron before coding-DNA position 232, G replaced by A.
Molecular consequence: splice acceptor variant.
Genome position (GRCh38, 1-based): chr13:100,111,992, G>A. VCF-style: chr13-100111992-G-A. GRCh37 (hg19) VCF-style: chr13-100764246-G-A.
Other names: c.232-1G>A (NM_001178004.2, NM_001352605.2, NM_001352606.2 and 1 more transcripts); c.-635-1G>A (NM_001352610.2, NM_001352611.2, NM_001352612.2); c.154-1G>A (NM_001127692.3, NM_001352607.2, NM_001352608.2).
Identifiers: ClinVar variation 197126 (VCV000197126.9), dbSNP rs794727620, ClinGen allele CA278509.